The following is an entry in ClinVar:

ClinVar aggregate classification (germline): Benign. Review status: criteria provided, multiple submitters, no conflicts (2 of 4 stars). 2 submissions from 2 submitters: Benign (2). Last evaluated 2018-01-12.

Conditions:
Multiple sulfatase deficiency (MSD). Also called: Mucosulfatidosis; Multiple Sulfatase Deficiency Disease; Sulfatidosis, Juvenile, Austin Type. Identifiers: Orphanet 585, MedGen C0268263, MONDO:0010088, OMIM 272200.

Allele frequency attached by ClinVar (database versions not stated): 1000 Genomes Project 0.88019; 1000 Genomes Project 30x 0.90475; TOPMed 0.96451; gnomAD 0.96725 and 0.97410.
gnomAD v4.1: 168,385 of 174,370 alleles (97%); highest among the groups gnomAD compares: Non-Finnish European, 99%; 81,299 homozygotes.

Submissions (2):

Illumina Laboratory Services, Illumina
Classification: Benign for Multiple sulfatase deficiency. Last evaluated: 2018-01-12. Review status: criteria provided, single submitter. Criteria: ICSL Variant Classification Criteria 13 December 2019. Collection method: clinical testing. Allele origin: germline.
Comment: This variant was observed in the ICSL laboratory as part of a predisposition screen in an ostensibly healthy population. It had not been previously curated by ICSL or reported in the Human Gene Mutation Database (HGMD: prior to June 1st, 2018), and was therefore a candidate for classification through an automated scoring system. Utilizing variant allele frequency, disease prevalence and penetrance estimates, and inheritance mode, an automated score was calculated to assess if this variant is too frequent to cause the disease. Based on the score and internal cut-off values, a variant classified as benign is not then subjected to further curation. The score for this variant resulted in a classification of benign for this disease.

Breakthrough Genomics
Classification: Benign. Review status: criteria provided, single submitter. Criteria: ACMG Guidelines, 2015. Collection method: not provided. Allele origin: germline. Inheritance: Autosomal recessive inheritance. Affected: yes.

NM_182760.4(SUMF1):c.*471T>G

Gene: SUMF1 (sulfatase modifying factor 1; minus strand). Cytogenetic location: 3p26.1.
Variant type: single nucleotide variant.
Coding change: c.*471T>G on transcript NM_182760.4 (MANE Select); 471 bases downstream of the stop codon, T replaced by G.
Molecular consequence: 3 prime UTR variant.
Genome position (GRCh38, 1-based): chr3:4,361,673, A>C on the plus strand (T>G on the coding strand, the complement: SUMF1 is on the minus strand). VCF-style: chr3-4361673-A-C. GRCh37 (hg19) VCF-style: chr3-4403357-A-C.
Other names: c.*471T>G (NM_001164674.2, NM_001164675.2).
Identifiers: ClinVar variation 345303 (VCV000345303.6), dbSNP rs2259818, ClinGen allele CA10616423.